The following is an entry in ClinVar:

NM_000342.4(SLC4A1):c.681G>A (p.Thr227=)

Gene: SLC4A1 (solute carrier family 4 member 1 (Diego blood group); minus strand). Cytogenetic location: 17q21.31.
Variant type: single nucleotide variant.
Coding change: c.681G>A on transcript NM_000342.4 (MANE Select); coding-DNA position 681, G replaced by A.
Protein change: p.Thr227=; no amino-acid change (threonine 227 retained).
Molecular consequence: synonymous variant.
Genome position (GRCh38, 1-based): chr17:44,259,510, C>T on the plus strand (G>A on the coding strand, the complement: SLC4A1 is on the minus strand). VCF-style: chr17-44259510-C-T. GRCh37 (hg19) VCF-style: chr17-42336878-C-T.
Other names: p.Thr227=.
Identifiers: ClinVar variation 2080565 (VCV002080565.5), dbSNP rs779346506, ClinGen allele CA8600513.

ClinVar aggregate classification (germline): Likely benign. Review status: criteria provided, multiple submitters, no conflicts (2 of 4 stars). 2 submissions from 2 submitters: Likely benign (2). Last evaluated 2025-10-16.

Allele frequency attached by ClinVar (database versions not stated): ExAC 0.00002; gnomAD exomes 0.00006; gnomAD 0.00003; TOPMed 0.00003.
gnomAD v4.1: 87 of 1,613,818 alleles (0.0054%); highest among the groups gnomAD compares: South Asian, 0.022%; no homozygotes.

Submissions (2):

Mayo Clinic Laboratories, Mayo Clinic
Classification: Likely benign. Last evaluated: 2025-10-16. Review status: criteria provided, single submitter. Criteria: ACMG Guidelines, 2015. Collection method: clinical testing. Allele origin: germline. Observed: 1 variant allele.
Comment: BP4, BP7, PM2_supporting

Labcorp Genetics (formerly Invitae), Labcorp
Classification: Likely benign. Last evaluated: 2025-06-12. Review status: criteria provided, single submitter. Criteria: Invitae Variant Classification Sherloc (09022015). Collection method: clinical testing. Allele origin: germline.